The following is an entry in ClinVar:

NM_001927.4(DES):c.641A>C (p.Asp214Ala)

Gene: DES (desmin; plus strand). Cytogenetic location: 2q35.
Variant type: single nucleotide variant.
Coding change: c.641A>C on transcript NM_001927.4 (MANE Select); coding-DNA position 641, A replaced by C.
Protein change: p.Asp214Ala; replaces aspartic acid 214 with alanine.
Molecular consequence: missense variant. On other transcripts: intron variant (1).
Genome position (GRCh38, 1-based): chr2:219,420,252, A>C. VCF-style: chr2-219420252-A-C. GRCh37 (hg19) VCF-style: chr2-220284974-A-C.
Other names: c.638A>C, p.Asp213Ala (NM_001382708.1); c.641A>C, p.Asp214Ala (NM_001382709.1, NM_001382710.1, NM_001382711.1 and 1 more transcripts); c.496-273A>C (NM_001382713.1); short protein forms D213A, D214A.
Identifiers: ClinVar variation 4794685 (VCV004794685.1).

ClinVar aggregate classification (germline): Uncertain significance (1 of 4 stars; one submission).

Conditions:
Desmin-related myofibrillar myopathy (MFM1). Also called: Desminopathy; Desmin related myopathy (former name); Desmin storage myopathy (former name); MYOFIBRILLAR MYOPATHY WITH ARRHYTHMOGENIC RIGHT VENTRICULAR CARDIOMYOPATHY; DESMIN-RELATED MYOPATHY WITH ARRHYTHMOGENIC RIGHT VENTRICULAR CARDIOMYOPATHY; Myofibrillar myopathy 1. Identifiers: Orphanet 363543, Orphanet 98909, MedGen C1832370, MONDO:0011076, OMIM 601419.

Submission:

Labcorp Genetics (formerly Invitae), Labcorp
Classification: Uncertain significance for Desmin-related myofibrillar myopathy. Last evaluated: 2025-09-29. Review status: criteria provided, single submitter. Criteria: Invitae Variant Classification Sherloc (09022015). Collection method: clinical testing. Allele origin: germline.
Comment: This sequence change replaces aspartic acid, which is acidic and polar, with alanine, which is neutral and non-polar, at codon 214 of the DES protein (p.Asp214Ala). This variant is not present in population databases (gnomAD no frequency). This variant has not been reported in the literature in individuals affected with DES-related conditions. Invitae Evidence Modeling of protein sequence and biophysical properties (such as structural, functional, and spatial information, amino acid conservation, physicochemical variation, residue mobility, and thermodynamic stability) has been performed for this missense variant. However, the output from this modeling did not meet the statistical confidence thresholds required to predict the impact of this variant on DES protein function. In summary, the available evidence is currently insufficient to determine the role of this variant in disease. Therefore, it has been classified as a Variant of Uncertain Significance.